The following is an entry in ClinVar:

NM_000548.5(TSC2):c.2948C>T (p.Ser983Phe)

Gene: TSC2 (TSC complex subunit 2; plus strand). Cytogenetic location: 16p13.3.
Variant type: single nucleotide variant.
Coding change: c.2948C>T on transcript NM_000548.5 (MANE Select); coding-DNA position 2948, C replaced by T.
Protein change: p.Ser983Phe; replaces serine 983 with phenylalanine.
Molecular consequence: missense variant. On other transcripts: intron variant (31).
Genome position (GRCh38, 1-based): chr16:2,077,708, C>T. VCF-style: chr16-2077708-C-T. GRCh37 (hg19) VCF-style: chr16-2127709-C-T.
Other names: c.2948C>T, p.Ser983Phe (NM_001114382.3, NM_001406663.1, NM_001406664.1); c.2837C>T, p.Ser946Phe (NM_001406670.1); c.2801C>T, p.Ser934Phe (NM_001406675.1, NM_001406676.1); c.2348C>T, p.Ser783Phe (NM_001406680.1, NM_001406682.1, NM_001406683.1 and 1 more transcripts); c.1604C>T, p.Ser535Phe (NM_001406689.1); c.1493+1123C>T (NM_001406693.1, NM_001406690.1, NM_001406692.1 and 5 more transcripts); c.2927+1123C>T (NM_001406667.1, NM_001406668.1); c.2237+1123C>T (NM_001406687.1, NM_001406685.1, NM_001318831.2 and 2 more transcripts); and 8 more; short protein forms S983F, S934F, S946F, S783F, S535F.
Identifiers: ClinVar variation 5031301 (VCV005031301.1).

ClinVar aggregate classification (germline): Uncertain significance (1 of 4 stars; one submission).

Conditions:
Hereditary cancer-predisposing syndrome. Also called: Neoplastic Syndromes, Hereditary; Tumor predisposition; Hereditary neoplastic syndrome; Hereditary Cancer Syndrome. Identifiers: Orphanet 140162, MedGen C0027672, MeSH D009386, MONDO:0015356.

Submission:

Ambry Genetics
Classification: Uncertain significance for Hereditary cancer-predisposing syndrome. Last evaluated: 2026-06-21. Review status: criteria provided, single submitter. Criteria: Ambry Variant Classification Scheme 2023. Collection method: clinical testing. Allele origin: germline.
Comment: The p.S983F variant (also known as c.2948C>T), located in coding exon 25 of the TSC2 gene, results from a C to T substitution at nucleotide position 2948. The serine at codon 983 is replaced by phenylalanine, an amino acid with highly dissimilar properties. This amino acid position is conserved. In addition, this alteration is predicted to be deleterious by in silico analysis. Based on the available evidence, the clinical significance of this variant remains unclear.